The following is an entry in ClinVar:

NM_000660.7(TGFB1):c.1013A>C (p.Lys338Thr)

Gene: TGFB1 (transforming growth factor beta 1; minus strand). Cytogenetic location: 19q13.2.
Variant type: single nucleotide variant.
Coding change: c.1013A>C on transcript NM_000660.7 (MANE Select); coding-DNA position 1013, A replaced by C.
Protein change: p.Lys338Thr; replaces lysine 338 with threonine.
Molecular consequence: missense variant.
Genome position (GRCh38, 1-based): chr19:41,332,129, T>G on the plus strand (A>C on the coding strand, the complement: TGFB1 is on the minus strand). VCF-style: chr19-41332129-T-G. GRCh37 (hg19) VCF-style: chr19-41838034-T-G.
Other names: short protein forms K338T.
Identifiers: ClinVar variation 1382525 (VCV001382525.8), dbSNP rs2037939146, ClinGen allele CA405998219.

ClinVar aggregate classification (germline): Uncertain significance (1 of 4 stars; one submission).

Allele frequency attached by ClinVar (database versions not stated): TOPMed below 0.00001; gnomAD 0.00001.
gnomAD v4.1: 1 of 1,613,498 alleles (0.000062%); highest among the groups gnomAD compares: Admixed American, 0.0017%; no homozygotes.

Submission:

Labcorp Genetics (formerly Invitae), Labcorp
Classification: Uncertain significance. Last evaluated: 2025-01-27. Review status: criteria provided, single submitter. Criteria: Invitae Variant Classification Sherloc (09022015). Collection method: clinical testing. Allele origin: germline.
Comment: This sequence change replaces lysine, which is basic and polar, with threonine, which is neutral and polar, at codon 338 of the TGFB1 protein (p.Lys338Thr). This variant is not present in population databases (gnomAD no frequency). This variant has not been reported in the literature in individuals affected with TGFB1-related conditions. ClinVar contains an entry for this variant (Variation ID: 1382525). An algorithm developed to predict the effect of missense changes on protein structure and function (PolyPhen-2) suggests that this variant is likely to be disruptive. Algorithms developed to predict the effect of sequence changes on RNA splicing suggest that this variant may create or strengthen a splice site. In summary, the available evidence is currently insufficient to determine the role of this variant in disease. Therefore, it has been classified as a Variant of Uncertain Significance.